The following is an entry in ClinVar:

ClinVar aggregate classification (germline): Uncertain significance (1 of 4 stars; one submission).

gnomAD v4.1: 9 of 1,612,586 alleles (0.00056%); highest among the groups gnomAD compares: Non-Finnish European, 0.00068%; no homozygotes.

Submission:

Labcorp Genetics (formerly Invitae), Labcorp
Classification: Uncertain significance. Last evaluated: 2021-12-28. Review status: criteria provided, single submitter. Criteria: Invitae Variant Classification Sherloc (09022015). Collection method: clinical testing. Allele origin: germline.
Comment: In summary, the available evidence is currently insufficient to determine the role of this variant in disease. Therefore, it has been classified as a Variant of Uncertain Significance. Algorithms developed to predict the effect of missense changes on protein structure and function (SIFT, PolyPhen-2, Align-GVGD) all suggest that this variant is likely to be tolerated. This variant has not been reported in the literature in individuals affected with RHOBTB2-related conditions. This variant is present in population databases (no rsID available, gnomAD 0.0009%). This sequence change replaces cysteine, which is neutral and slightly polar, with serine, which is neutral and polar, at codon 645 of the RHOBTB2 protein (p.Cys645Ser).

NM_015178.3(RHOBTB2):c.1868G>C (p.Cys623Ser)

Gene: RHOBTB2 (Rho related BTB domain containing 2; plus strand). Cytogenetic location: 8p21.3.
Variant type: single nucleotide variant.
Coding change: c.1868G>C on transcript NM_015178.3 (MANE Select); coding-DNA position 1868, G replaced by C.
Protein change: p.Cys623Ser; replaces cysteine 623 with serine.
Molecular consequence: missense variant.
Genome position (GRCh38, 1-based): chr8:23,015,645, G>C. VCF-style: chr8-23015645-G-C. GRCh37 (hg19) VCF-style: chr8-22873158-G-C.
Other names: c.1934G>C, p.Cys645Ser (NM_001160036.2); c.1889G>C, p.Cys630Ser (NM_001160037.2); c.1868G>C, p.Cys623Ser (NM_001374791.1); short protein forms C645S, C630S, C623S.
Identifiers: ClinVar variation 2140539 (VCV002140539.4), dbSNP rs1480474586, ClinGen allele CA370575516.
Genomic context (GRCh38, chr8:23,015,645, plus strand): 5'-AGACCCTCTCCCCTGGGGATTTCAGTACAGACGTTCTTCCCTTCTGTCCCCAGTTCCACT[G>C]TGCGTACCAGCTGGCCGACTGGTGTCTCCACCACATCTGCACCAACTACAACAACGTGTG-3'
Protein context (NP_055993.2, residues 613-633): LVFLELAQFH[Cys623Ser]AYQLADWCLH